The following is an entry in ClinVar:

ClinVar aggregate classification (germline): Uncertain significance. Review status: criteria provided, multiple submitters, no conflicts (2 of 4 stars). 3 submissions from 3 submitters: Uncertain significance (3). Last evaluated 2025-08-22.

Conditions:
Inborn genetic diseases. Identifiers: MedGen C0950123, MeSH D030342.

Allele frequency attached by ClinVar (database versions not stated): gnomAD exomes 0.00001; TOPMed 0.00001; ExAC 0.00002; gnomAD 0.00002.
gnomAD v4.1: 13 of 1,599,114 alleles (0.00081%); highest among the groups gnomAD compares: Middle Eastern, 0.035%; no homozygotes.

Submissions (3):

Ambry Genetics
Classification: Uncertain significance for Inborn genetic diseases. Last evaluated: 2025-08-22. Review status: criteria provided, single submitter. Criteria: Ambry Variant Classification Scheme 2023. Collection method: clinical testing. Allele origin: germline.

Labcorp Genetics (formerly Invitae), Labcorp
Classification: Uncertain significance. Last evaluated: 2025-06-15. Review status: criteria provided, single submitter. Criteria: Invitae Variant Classification Sherloc (09022015). Collection method: clinical testing. Allele origin: germline.
Comment: This sequence change replaces lysine, which is basic and polar, with arginine, which is basic and polar, at codon 1075 of the CACNA2D4 protein (p.Lys1075Arg). This variant is present in population databases (rs780344794, gnomAD 0.002%). This variant has not been reported in the literature in individuals affected with CACNA2D4-related conditions. ClinVar contains an entry for this variant (Variation ID: 1909179). An algorithm developed to predict the effect of missense changes on protein structure and function (PolyPhen-2) suggests that this variant is likely to be tolerated. In summary, the available evidence is currently insufficient to determine the role of this variant in disease. Therefore, it has been classified as a Variant of Uncertain Significance.

Blueprint Genetics
Classification: Uncertain significance. Last evaluated: 2022-09-09. Review status: criteria provided, single submitter. Criteria: ACMG Guidelines, 2015. Collection method: clinical testing. Allele origin: germline.

NM_172364.5(CACNA2D4):c.3224A>G (p.Lys1075Arg)

Gene: CACNA2D4 (calcium voltage-gated channel auxiliary subunit alpha2delta 4; minus strand). Cytogenetic location: 12p13.33.
Variant type: single nucleotide variant.
Coding change: c.3224A>G on transcript NM_172364.5 (MANE Select); coding-DNA position 3224, A replaced by G.
Protein change: p.Lys1075Arg; replaces lysine 1075 with arginine.
Molecular consequence: missense variant.
Genome position (GRCh38, 1-based): chr12:1,795,670, T>C on the plus strand (A>G on the coding strand, the complement: CACNA2D4 is on the minus strand). VCF-style: chr12-1795670-T-C. GRCh37 (hg19) VCF-style: chr12-1904836-T-C.
Other names: c.3224A>G (NM_172364.4); short protein forms K1075R.
Identifiers: ClinVar variation 1909179 (VCV001909179.7), dbSNP rs780344794, ClinGen allele CA6386033.